The following is an entry in ClinVar:

NM_000548.5(TSC2):c.1095C>T (p.Ile365=)

Gene: TSC2 (TSC complex subunit 2; plus strand). Cytogenetic location: 16p13.3.
Variant type: single nucleotide variant.
Coding change: c.1095C>T on transcript NM_000548.5 (MANE Select); coding-DNA position 1095, C replaced by T.
Protein change: p.Ile365=; no amino-acid change (isoleucine 365 retained).
Molecular consequence: synonymous variant.
Genome position (GRCh38, 1-based): chr16:2,060,789, C>T. VCF-style: chr16-2060789-C-T. GRCh37 (hg19) VCF-style: chr16-2110790-C-T.
Other names: c.1095C>T, p.Ile365= (NM_001077183.3, NM_001114382.3, NM_001363528.2 and 3 more transcripts); c.984C>T, p.Ile328= (NM_001318827.2); c.948C>T, p.Ile316= (NM_001318829.2); c.495C>T, p.Ile165= (NM_001318831.2); c.1128C>T, p.Ile376= (NM_001318832.2); c.1095C>T (NM_000548.4).
Identifiers: ClinVar variation 184699 (VCV000184699.53), dbSNP rs757135168, ClinGen allele CA013749.

ClinVar aggregate classification (germline): Conflicting classifications of pathogenicity. Review status: criteria provided, conflicting classifications (1 of 4 stars). 12 submissions from 12 submitters: Uncertain significance (1); Benign (2); Likely benign (9). Last evaluated 2026-01-19.

Conditions:
TSC2-related disorder. Also called: TSC2-Related Disorders; TSC2-related condition.
Hereditary cancer-predisposing syndrome. Also called: Tumor predisposition; Neoplastic Syndromes, Hereditary; Hereditary Cancer Syndrome; Hereditary neoplastic syndrome. Identifiers: Orphanet 140162, MedGen C0027672, MeSH D009386, MONDO:0015356.
Tuberous sclerosis syndrome (TSC). Also called: Tuberous Sclerosis Complex; Tuberous sclerosis. Identifiers: Orphanet 805, MedGen C0041341, MONDO:0001734.
Tuberous sclerosis 2 (TSC2). Identifiers: Orphanet 805, MedGen C1860707, MONDO:0013199, OMIM 613254.

Allele frequency attached by ClinVar (database versions not stated): ExAC 0.00001; gnomAD exomes 0.00002; gnomAD 0.00003 and 0.00004; TOPMed 0.00005.
gnomAD v4.1: 43 of 1,613,618 alleles (0.0027%); highest among the groups gnomAD compares: Non-Finnish European, 0.0035%; no homozygotes.

Submissions (12):

Labcorp Genetics (formerly Invitae), Labcorp
Classification: Benign for Tuberous sclerosis 2. Last evaluated: 2026-01-19. Review status: criteria provided, single submitter. Criteria: Invitae Variant Classification Sherloc (09022015). Collection method: clinical testing. Allele origin: germline.

Myriad Genetics, Inc.
Classification: Benign for Tuberous sclerosis 2. Last evaluated: 2025-05-13. Review status: criteria provided, single submitter. Criteria: Myriad Autosomal Dominant, Autosomal Recessive and X-Linked Classification Criteria (2023). Collection method: clinical testing. Allele origin: unknown.
Comment: This variant is considered benign. This variant is a silent/synonymous amino acid change and it is not expected to impact splicing.

PreventionGenetics, part of Exact Sciences
Classification: Likely benign for TSC2-related condition. Last evaluated: 2025-05-09. Review status: criteria provided, single submitter. Criteria: ACMG Guidelines, 2015. Collection method: clinical testing. Allele origin: germline.
Comment: This variant is classified as likely benign based on ACMG/AMP sequence variant interpretation guidelines (Richards et al. 2015 PMID: 25741868, with internal and published modifications).

CeGaT Center for Human Genetics Tuebingen
Classification: Likely benign. Last evaluated: 2024-07-01. Review status: criteria provided, single submitter. Criteria: CeGaT Center For Human Genetics Tuebingen Variant Classification Criteria Version 2. Collection method: clinical testing. Allele origin: germline. Affected: yes. Observed: 2 variant alleles.
Comment: TSC2: BP4, BP7

Blueprint Genetics
Classification: Likely benign. Last evaluated: 2024-05-30. Review status: criteria provided, single submitter. Criteria: ACMG Guidelines, 2015. Collection method: clinical testing. Allele origin: germline.

All of Us Research Program, National Institutes of Health
Classification: Likely benign for Tuberous sclerosis syndrome. Last evaluated: 2024-04-10. Review status: criteria provided, single submitter. Criteria: ACMG Guidelines, 2015. Collection method: clinical testing. Allele origin: germline. Inheritance: Autosomal dominant inheritance. Observed: 8 variant alleles, 8 heterozygotes.
Comment: This study involves interpretation of variants in research participants for the purpose of population health screening. Participant phenotype was not available at the time of variant classification. Additional details can be found in publication PMID: 35346344, PMCID: PMC8962531

Color Diagnostics, LLC DBA Color Health
Classification: Likely benign for Tuberous sclerosis syndrome. Last evaluated: 2022-09-07. Review status: criteria provided, single submitter. Criteria: ACMG Guidelines, 2015. Collection method: clinical testing. Allele origin: germline.

Genome-Nilou Lab
Classification: Likely benign for Tuberous sclerosis 2. Last evaluated: 2021-11-07. Review status: criteria provided, single submitter. Criteria: ACMG Guidelines, 2015. Collection method: clinical testing. Allele origin: germline. Affected: no.

Sema4
Classification: Likely benign for Hereditary cancer-predisposing syndrome. Last evaluated: 2021-09-30. Review status: criteria provided, single submitter. Criteria: Sema4 Curation Guidelines. Collection method: curation. Allele origin: germline.

GeneDx
Classification: Likely benign. Last evaluated: 2018-12-04. Review status: criteria provided, single submitter. Criteria: GeneDx Variant Classification Process June 2021. Collection method: clinical testing. Allele origin: germline. Affected: yes.

Illumina Laboratory Services, Illumina
Classification: Uncertain significance for Tuberous sclerosis syndrome. Last evaluated: 2017-04-27. Review status: criteria provided, single submitter. Criteria: ICSL Variant Classification Criteria 13 December 2019. Collection method: clinical testing. Allele origin: germline.
Comment: This variant was observed as part of a predisposition screen in an ostensibly healthy population. A literature search was performed for the gene, cDNA change, and amino acid change (where applicable). Publications were found based on this search. However, the evidence from the literature, in combination with allele frequency data from public databases where available, was not sufficient to rule this variant in or out of causing disease. Therefore, this variant is classified as a variant of unknown significance.

Ambry Genetics
Classification: Likely benign for Hereditary cancer-predisposing syndrome. Last evaluated: 2014-06-30. Review status: criteria provided, single submitter. Criteria: Ambry Variant Classification Scheme 2023. Collection method: clinical testing. Allele origin: germline.

Literature cited by the submitters: PubMed 8824881 (cited by Illumina Laboratory Services, Illumina); PubMed 10205261 (cited by Illumina Laboratory Services, Illumina).